The following is an entry in ClinVar:

ClinVar aggregate classification (germline): Uncertain significance (1 of 4 stars; one submission).

Allele frequency attached by ClinVar (database versions not stated): TOPMed 0.00002; gnomAD 0.00003; 1000 Genomes Project 30x 0.00016; 1000 Genomes Project 0.00020.
gnomAD v4.1: 54 of 1,544,188 alleles (0.0035%); highest among the groups gnomAD compares: Middle Eastern, 0.019%; no homozygotes.

Submission:

Labcorp Genetics (formerly Invitae), Labcorp
Classification: Uncertain significance. Last evaluated: 2025-09-02. Review status: criteria provided, single submitter. Criteria: Invitae Variant Classification Sherloc (09022015). Collection method: clinical testing. Allele origin: germline.
Comment: This sequence change replaces arginine, which is basic and polar, with histidine, which is basic and polar, at codon 558 of the DVL1 protein (p.Arg558His). This variant is present in population databases (rs182333546, gnomAD 0.01%). This variant has not been reported in the literature in individuals affected with DVL1-related conditions. ClinVar contains an entry for this variant (Variation ID: 2413771). Invitae Evidence Modeling of protein sequence and biophysical properties (such as structural, functional, and spatial information, amino acid conservation, physicochemical variation, residue mobility, and thermodynamic stability) indicates that this missense variant is not expected to disrupt DVL1 protein function with a negative predictive value of 80%. Experimental studies have shown that this missense change affects DVL1 function (PMID: 32900645). In summary, the available evidence is currently insufficient to determine the role of this variant in disease. Therefore, it has been classified as a Variant of Uncertain Significance.

Literature cited by the submitters: PubMed 32900645.

NM_001330311.2(DVL1):c.1748G>A (p.Arg583His)

Gene: DVL1 (dishevelled segment polarity protein 1; minus strand). Cytogenetic location: 1p36.33.
Variant type: single nucleotide variant.
Coding change: c.1748G>A on transcript NM_001330311.2 (MANE Select); coding-DNA position 1748, G replaced by A.
Protein change: p.Arg583His; replaces arginine 583 with histidine.
Molecular consequence: missense variant.
Genome position (GRCh38, 1-based): chr1:1,336,482, C>T on the plus strand (G>A on the coding strand, the complement: DVL1 is on the minus strand). VCF-style: chr1-1336482-C-T. GRCh37 (hg19) VCF-style: chr1-1271862-C-T.
Other names: c.1673G>A, p.Arg558His (NM_004421.3); short protein forms R558H, R583H.
Identifiers: ClinVar variation 2413771 (VCV002413771.6), dbSNP rs182333546, ClinGen allele CA519849.